The following is an entry in ClinVar:

NM_021067.5(GINS1):c.416A>G (p.Asp139Gly)

Gene: GINS1 (GINS complex subunit 1; plus strand). Cytogenetic location: 20p11.21.
Variant type: single nucleotide variant.
Coding change: c.416A>G on transcript NM_021067.5 (MANE Select); coding-DNA position 416, A replaced by G.
Protein change: p.Asp139Gly; replaces aspartic acid 139 with glycine.
Molecular consequence: missense variant. On other transcripts: non-coding transcript variant (1), intron variant (1).
Genome position (GRCh38, 1-based): chr20:25,425,296, A>G. VCF-style: chr20-25425296-A-G. GRCh37 (hg19) VCF-style: chr20-25405932-A-G.
Other names: c.161A>G, p.Asp54Gly (NM_001410831.1); c.330+7101A>G (NM_001410830.1); short protein forms D139G, D54G.
Identifiers: ClinVar variation 2635509 (VCV002635509.1), dbSNP rs750776640, ClinGen allele CA9796545.

ClinVar aggregate classification (germline): Uncertain significance (1 of 4 stars; one submission).

Conditions:
GINS1-related disorder. Also called: GINS1-related condition.

Allele frequency attached by ClinVar (database versions not stated): gnomAD exomes below 0.00001; ExAC 0.00001.
gnomAD v4.1: 5 of 1,521,100 alleles (0.00033%); highest among the groups gnomAD compares: African/African-American, 0.0027%; no homozygotes.

Submission:

PreventionGenetics, part of Exact Sciences
Classification: Uncertain significance for GINS1-related condition. Last evaluated: 2022-12-01. Review status: criteria provided, single submitter. Criteria: ACMG Guidelines, 2015. Collection method: clinical testing. Allele origin: germline.
Comment: The GINS1 c.416A>G variant is predicted to result in the amino acid substitution p.Asp139Gly. To our knowledge, this variant has not been reported in the literature. This variant is reported in 0.0033% of alleles in individuals of South Asian descent in gnomAD. At this time, the clinical significance of this variant is uncertain due to the absence of conclusive functional and genetic evidence.